The following is an entry in ClinVar:

NM_001267550.2(TTN):c.15003C>G (p.Leu5001=)

Gene: TTN (titin; minus strand). Cytogenetic location: 2q31.2.
Variant type: single nucleotide variant.
Coding change: c.15003C>G on transcript NM_001267550.2 (MANE Select); coding-DNA position 15003, C replaced by G.
Protein change: p.Leu5001=; no amino-acid change (leucine 5001 retained).
Molecular consequence: synonymous variant. On other transcripts: intron variant (3).
Genome position (GRCh38, 1-based): chr2:178,734,921, G>C on the plus strand (C>G on the coding strand, the complement: TTN is on the minus strand). VCF-style: chr2-178734921-G-C. GRCh37 (hg19) VCF-style: chr2-179599648-G-C.
Other names: c.14052C>G, p.Leu4684= (NM_001256850.1); c.11271C>G, p.Leu3757= (NM_133378.4); c.13282+3161C>G (NM_003319.4); c.13858+3161C>G (NM_133437.4); c.13657+3161C>G (NM_133432.3).
Identifiers: ClinVar variation 514654 (VCV000514654.3), dbSNP rs1430516736, ClinGen allele CA430294771.
Genomic context (GRCh38, chr2:178,734,921, plus strand): 5'-TTCTTTGTTATTTTTAAACCAAGTAACCTGGATCACAGGTGAGCCTTTCAGCTTGCAATG[G>C]AGGCGTGCTGATTCACCTGGGAGCATTAAATAAGAGGGATCCACCTTCTTCACGAAGGAT-3'
Protein context (NP_001254479.2, residues 4991-5011): YLMLPGESAR[Leu5001=]HCKLKGSPVI

ClinVar aggregate classification (germline): Likely benign. Review status: criteria provided, multiple submitters, no conflicts (2 of 4 stars). 2 submissions from 2 submitters: Likely benign (2). Last evaluated 2024-06-05.

Conditions:
Autosomal recessive limb-girdle muscular dystrophy type 2J (LGMDR10). Also called: MUSCULAR DYSTROPHY, LIMB-GIRDLE, AUTOSOMAL RECESSIVE 10; Limb-girdle muscular dystrophy, type 2J. Identifiers: Orphanet 140922, MedGen C1837342, MONDO:0012127, OMIM 608807.
Dilated cardiomyopathy 1G (CMD1G). Identifiers: Orphanet 154, MedGen C1858763, MONDO:0011400, OMIM 604145.

Allele frequency attached by ClinVar (database versions not stated): gnomAD exomes below 0.00001.
gnomAD v4.1: 1 of 1,611,748 alleles (0.000062%); highest among the groups gnomAD compares: South Asian, 0.0011%; no homozygotes.

Submissions (2):

Labcorp Genetics (formerly Invitae), Labcorp
Classification: Likely benign for Dilated cardiomyopathy 1G; Autosomal recessive limb-girdle muscular dystrophy type 2J. Last evaluated: 2024-06-05. Review status: criteria provided, single submitter. Criteria: Invitae Variant Classification Sherloc (09022015). Collection method: clinical testing. Allele origin: germline.

GeneDx
Classification: Likely benign. Last evaluated: 2018-01-03. Review status: criteria provided, single submitter. Criteria: GeneDx Variant Classification (06012015). Collection method: clinical testing. Allele origin: germline. Affected: yes.
Comment: This variant is considered likely benign or benign based on one or more of the following criteria: it is a conservative change, it occurs at a poorly conserved position in the protein, it is predicted to be benign by multiple in silico algorithms, and/or has population frequency not consistent with disease.